The following is an entry in ClinVar:

NM_201550.4(LRRC10):c.612C>G (p.Tyr204Ter)

Gene: LRRC10 (leucine rich repeat containing 10; minus strand). Cytogenetic location: 12q15.
Variant type: single nucleotide variant.
Coding change: c.612C>G on transcript NM_201550.4 (MANE Select); coding-DNA position 612, C replaced by G.
Protein change: p.Tyr204Ter; replaces tyrosine 204 with a stop codon.
Molecular consequence: nonsense.
Genome position (GRCh38, 1-based): chr12:69,610,227, G>C on the plus strand (C>G on the coding strand, the complement: LRRC10 is on the minus strand). VCF-style: chr12-69610227-G-C. GRCh37 (hg19) VCF-style: chr12-70004007-G-C.
Other names: short protein forms Y204*.
Identifiers: ClinVar variation 1525430 (VCV001525430.6), dbSNP rs2135868999, ClinGen allele CA385735858.

ClinVar aggregate classification (germline): Uncertain significance (1 of 4 stars; one submission).

Submission:

Labcorp Genetics (formerly Invitae), Labcorp
Classification: Uncertain significance. Last evaluated: 2021-04-11. Review status: criteria provided, single submitter. Criteria: Invitae Variant Classification Sherloc (09022015). Collection method: clinical testing. Allele origin: germline.
Comment: In summary, the available evidence is currently insufficient to determine the role of this variant in disease. Therefore, it has been classified as a Variant of Uncertain Significance. Experimental studies and prediction algorithms are not available or were not evaluated, and the functional significance of this variant is currently unknown. This sequence change creates a premature translational stop signal (p.Tyr204*) in the LRRC10 gene. While this is not anticipated to result in nonsense mediated decay, it is expected to disrupt the last 74 amino acid(s) of the LRRC10 protein. This variant is not present in population databases (ExAC no frequency). This variant has not been reported in the literature in individuals with LRRC10-related conditions.